The following is an entry in ClinVar:

ClinVar aggregate classification (germline): Uncertain significance (1 of 4 stars; one submission).

Conditions:
Primary ciliary dyskinesia. Also called: Ciliary dyskinesia. Identifiers: Orphanet 244, MedGen C0008780, MONDO:0016575, HP:0012265.

Submission:

Labcorp Genetics (formerly Invitae), Labcorp
Classification: Uncertain significance for Primary ciliary dyskinesia. Last evaluated: 2024-12-24. Review status: criteria provided, single submitter. Criteria: Invitae Variant Classification Sherloc (09022015). Collection method: clinical testing. Allele origin: germline.
Comment: This sequence change replaces arginine, which is basic and polar, with methionine, which is neutral and non-polar, at codon 2139 of the DNAH11 protein (p.Arg2139Met). This variant is not present in population databases (gnomAD no frequency). This variant has not been reported in the literature in individuals affected with DNAH11-related conditions. Invitae Evidence Modeling of protein sequence and biophysical properties (such as structural, functional, and spatial information, amino acid conservation, physicochemical variation, residue mobility, and thermodynamic stability) indicates that this missense variant is not expected to disrupt DNAH11 protein function with a negative predictive value of 95%. In summary, the available evidence is currently insufficient to determine the role of this variant in disease. Therefore, it has been classified as a Variant of Uncertain Significance.

NM_001277115.2(DNAH11):c.6416G>T (p.Arg2139Met)

Gene: DNAH11 (dynein axonemal heavy chain 11; plus strand). Cytogenetic location: 7p15.3.
Variant type: single nucleotide variant.
Coding change: c.6416G>T on transcript NM_001277115.2 (MANE Select); coding-DNA position 6416, G replaced by T.
Protein change: p.Arg2139Met; replaces arginine 2139 with methionine.
Molecular consequence: missense variant.
Genome position (GRCh38, 1-based): chr7:21,704,576, G>T. VCF-style: chr7-21704576-G-T. GRCh37 (hg19) VCF-style: chr7-21744194-G-T.
Other names: short protein forms R2139M.
Identifiers: ClinVar variation 3719739 (VCV003719739.2).